The following is an entry in ClinVar:

ClinVar aggregate classification (germline): Uncertain significance. Review status: criteria provided, multiple submitters, no conflicts (2 of 4 stars). 3 submissions from 3 submitters: Uncertain significance (3). Last evaluated 2026-01-11.

Conditions:
Combined oxidative phosphorylation defect type 14. Also called: Combined oxidative phosphorylation deficiency 14. Identifiers: Orphanet 319519, MedGen C4755312, MONDO:0013986, OMIM 614946.
Hereditary spastic paraplegia 77. Also called: Spastic paraplegia 77, autosomal recessive. Identifiers: Orphanet 466722, MedGen C5569007, MONDO:0014882, OMIM 617046.

Allele frequency attached by ClinVar (database versions not stated): ExAC 0.00002; gnomAD 0.00005 and 0.00006; gnomAD exomes 0.00001; TOPMed 0.00008.
gnomAD v4.1: 24 of 1,613,900 alleles (0.0015%); highest among the groups gnomAD compares: African/African-American, 0.019%; no homozygotes.

Submissions (3):

Labcorp Genetics (formerly Invitae), Labcorp
Classification: Uncertain significance for Combined oxidative phosphorylation defect type 14. Last evaluated: 2026-01-11. Review status: criteria provided, single submitter. Criteria: Invitae Variant Classification Sherloc (09022015). Collection method: clinical testing. Allele origin: germline.
Comment: This sequence change replaces glutamic acid, which is acidic and polar, with lysine, which is basic and polar, at codon 337 of the FARS2 protein (p.Glu337Lys). This variant is present in population databases (rs779793214, gnomAD 0.01%). This variant has not been reported in the literature in individuals affected with FARS2-related conditions. ClinVar contains an entry for this variant (Variation ID: 540539). Invitae Evidence Modeling of protein sequence and biophysical properties (such as structural, functional, and spatial information, amino acid conservation, physicochemical variation, residue mobility, and thermodynamic stability) indicates that this missense variant is not expected to disrupt FARS2 protein function with a negative predictive value of 80%. In summary, the available evidence is currently insufficient to determine the role of this variant in disease. Therefore, it has been classified as a Variant of Uncertain Significance.

GeneDx
Classification: Uncertain significance. Last evaluated: 2024-10-22. Review status: criteria provided, single submitter. Criteria: GeneDx Variant Classification Process June 2021. Collection method: clinical testing. Allele origin: germline. Affected: yes.
Comment: Not observed at significant frequency in large population cohorts (gnomAD); In silico analysis indicates that this missense variant does not alter protein structure/function; Has not been previously published as pathogenic or benign to our knowledge

Pediatric/Medical Genetics, Ministry of Health, Qatif Central Hospital
Classification: Uncertain significance for Hereditary spastic paraplegia 77. Review status: criteria provided, single submitter. Criteria: ACMG Guidelines, 2015. Collection method: clinical testing. Allele origin: germline. Inheritance: Autosomal recessive inheritance. Affected: yes. Observed: 1 homozygote.

NM_006567.5(FARS2):c.1009G>A (p.Glu337Lys)

Gene: FARS2 (phenylalanyl-tRNA synthetase 2, mitochondrial; plus strand). Cytogenetic location: 6p25.1.
Variant type: single nucleotide variant.
Coding change: c.1009G>A on transcript NM_006567.5 (MANE Select); coding-DNA position 1009, G replaced by A.
Protein change: p.Glu337Lys; replaces glutamic acid 337 with lysine.
Molecular consequence: missense variant.
Genome position (GRCh38, 1-based): chr6:5,545,284, G>A. VCF-style: chr6-5545284-G-A. GRCh37 (hg19) VCF-style: chr6-5545517-G-A.
Other names: c.1009G>A, p.Glu337Lys (NM_001318872.2, NM_001374875.1, NM_001374876.1 and 4 more transcripts); c.877G>A, p.Glu293Lys (NM_001375258.1); c.313G>A, p.Glu105Lys (NM_001375259.1, NM_001375260.1); short protein forms E337K, E105K, E293K.
Identifiers: ClinVar variation 540539 (VCV000540539.10), dbSNP rs779793214, ClinGen allele CA3623852.